The following is an entry in ClinVar:

NM_000138.5(FBN1):c.32T>A (p.Leu11Gln)

Gene: FBN1 (fibrillin 1; minus strand). Cytogenetic location: 15q21.1.
Variant type: single nucleotide variant.
Coding change: c.32T>A on transcript NM_000138.5 (MANE Select); coding-DNA position 32, T replaced by A.
Protein change: p.Leu11Gln; replaces leucine 11 with glutamine.
Molecular consequence: missense variant.
Genome position (GRCh38, 1-based): chr15:48,644,738, A>T on the plus strand (T>A on the coding strand, the complement: FBN1 is on the minus strand). VCF-style: chr15-48644738-A-T. GRCh37 (hg19) VCF-style: chr15-48936935-A-T.
Other names: short protein forms L11Q.
Identifiers: ClinVar variation 457192 (VCV000457192.16), dbSNP rs1555407429, ClinGen allele CA392453932.

ClinVar aggregate classification (germline): Conflicting classifications of pathogenicity. Review status: criteria provided, conflicting classifications (1 of 4 stars). 5 submissions from 5 submitters: Likely pathogenic (2); Uncertain significance (2). 1 of the submissions does not count toward it. Last evaluated 2025-11-17.

Conditions:
Marfan syndrome (MFS). Also called: MARFAN SYNDROME, TYPE I; FBN1-Related Marfan Syndrome; Marfan syndrome type 1; Marfan's syndrome; Marfan syndrome, classic. Identifiers: Orphanet 284963, Orphanet 558, MedGen C0024796, MONDO:0007947, OMIM 154700.
Familial thoracic aortic aneurysm and aortic dissection (TAAD). Also called: Thoracic aortic aneurysms and dissections. Identifiers: Orphanet 91387, MedGen C4707243, MONDO:0019625.
FBN1-related disorder. Also called: FBN1-related disorders.

Submissions (5):

Labcorp Genetics (formerly Invitae), Labcorp
Classification: Likely pathogenic for Marfan syndrome; Familial thoracic aortic aneurysm and aortic dissection. Last evaluated: 2025-11-17. Review status: criteria provided, single submitter. Criteria: Invitae Variant Classification Sherloc (09022015). Collection method: clinical testing. Allele origin: germline.
Comment: This sequence change replaces leucine, which is neutral and non-polar, with glutamine, which is neutral and polar, at codon 11 of the FBN1 protein (p.Leu11Gln). This variant is not present in population databases (gnomAD no frequency). This missense change has been observed in individual(s) with Marfan syndrome (PMID: 33059708; internal data). ClinVar contains an entry for this variant (Variation ID: 457192). Invitae Evidence Modeling of protein sequence and biophysical properties (such as structural, functional, and spatial information, amino acid conservation, physicochemical variation, residue mobility, and thermodynamic stability) indicates that this missense variant is expected to disrupt FBN1 protein function with a positive predictive value of 95%. This variant disrupts the p.Leu11 amino acid residue in FBN1. Other variant(s) that disrupt this residue have been determined to be pathogenic (PMID: 21542060, 29907982, 35058154; internal data). This suggests that this residue is clinically significant, and that variants that disrupt this residue are likely to be disease-causing. In summary, the currently available evidence indicates that the variant is pathogenic, but additional data are needed to prove that conclusively. Therefore, this variant has been classified as Likely Pathogenic.

Blueprint Genetics
Classification: Likely pathogenic for FBN1-related disorders. Last evaluated: 2023-12-13. Review status: criteria provided, single submitter. Criteria: ACMG Guidelines, 2015. Collection method: clinical testing. Allele origin: germline. Affected: yes. Observed: 2 variant alleles.

GeneDx
Classification: Uncertain significance. Last evaluated: 2021-05-10. Review status: criteria provided, single submitter. Criteria: GeneDx Variant Classification Process June 2021. Collection method: clinical testing. Allele origin: germline. Affected: yes.
Comment: Not observed in large population cohorts (Lek et al., 2016); In silico analysis, which includes protein predictors and evolutionary conservation, supports a deleterious effect; Does not affect a cysteine residue within a calcium-binding EGF-like domain of the FBN1 gene; cysteine substitutions in the calcium-binding EGF-like domains represent the majority of pathogenic missense changes associated with FBN1-related disorders (Collod-Beroud et al., 2003).; This variant is associated with the following publications: (PMID: 25652356, 33059708)

Mayo Clinic Laboratories, Mayo Clinic
Classification: Uncertain significance. Last evaluated: 2020-06-11. Review status: criteria provided, single submitter. Criteria: ACMG Guidelines, 2015. Collection method: clinical testing. Allele origin: germline. Observed: 2 variant alleles.

Center for Medical Genetics Ghent, University of Ghent
Classification: Uncertain significance for Marfan syndrome. Last evaluated: 2017-11-07. Review status: no assertion criteria provided. Collection method: clinical testing. Allele origin: germline. Affected: yes. Not counted in ClinVar's aggregate classification.

Literature cited by the submitters: PubMed 33059708 (cited by Labcorp Genetics (formerly Invitae), Labcorp); PubMed 21542060 (cited by Labcorp Genetics (formerly Invitae), Labcorp); PubMed 29907982 (cited by Labcorp Genetics (formerly Invitae), Labcorp); PubMed 35058154 (cited by Labcorp Genetics (formerly Invitae), Labcorp).